The following is an entry in ClinVar:

ClinVar aggregate classification (germline): Uncertain significance (1 of 4 stars; one submission).

Submission:

CeGaT Center for Human Genetics Tuebingen
Classification: Uncertain significance. Last evaluated: 2026-07-01. Review status: criteria provided, single submitter. Criteria: CeGaT Center For Human Genetics Tuebingen Variant Classification Criteria Version 2. Collection method: clinical testing. Allele origin: germline. Affected: yes. Observed: 1 variant allele.
Comment: SMARCA5: PM2, PP2

NM_003601.4(SMARCA5):c.2470G>C (p.Glu824Gln)

Gene: SMARCA5 (SNF2 related chromatin remodeling ATPase 5; plus strand). Cytogenetic location: 4q31.21.
Variant type: single nucleotide variant.
Coding change: c.2470G>C on transcript NM_003601.4 (MANE Select); coding-DNA position 2470, G replaced by C.
Protein change: p.Glu824Gln; replaces glutamic acid 824 with glutamine.
Molecular consequence: missense variant.
Genome position (GRCh38, 1-based): chr4:143,545,997, G>C. VCF-style: chr4-143545997-G-C. GRCh37 (hg19) VCF-style: chr4-144467150-G-C.
Other names: short protein forms E824Q.
Identifiers: ClinVar variation 5040015 (VCV005040015.1).